The following is an entry in ClinVar:

NM_000836.4(GRIN2D):c.3629C>T (p.Pro1210Leu)

Gene: GRIN2D (glutamate ionotropic receptor NMDA type subunit 2D; plus strand). Cytogenetic location: 19q13.33.
Variant type: single nucleotide variant.
Coding change: c.3629C>T on transcript NM_000836.4 (MANE Select); coding-DNA position 3629, C replaced by T.
Protein change: p.Pro1210Leu; replaces proline 1210 with leucine.
Molecular consequence: missense variant.
Genome position (GRCh38, 1-based): chr19:48,443,555, C>T. VCF-style: chr19-48443555-C-T. GRCh37 (hg19) VCF-style: chr19-48946812-C-T.
Other names: short protein forms P1210L.
Identifiers: ClinVar variation 3696039 (VCV003696039.3).

ClinVar aggregate classification (germline): Conflicting classifications of pathogenicity. Review status: criteria provided, conflicting classifications (1 of 4 stars). 2 submissions from 2 submitters: Uncertain significance (1); Likely benign (1). Last evaluated 2026-05-11.

Conditions:
Developmental and epileptic encephalopathy, 46 (DEE46). Also called: GRIN2D-Related Developmental and Epileptic Encephalopathy; Epileptic encephalopathy, early infantile, 46. Identifiers: MedGen C4310687, MONDO:0014947, OMIM 617162.

gnomAD v4.1: 2 of 1,263,396 alleles (0.00016%); highest among the groups gnomAD compares: African/African-American, 0.0032%; no homozygotes.

Submissions (2):

Centre for Medical Genetics,  Mumbai
Classification: Likely benign for Developmental and epileptic encephalopathy, 46. Last evaluated: 2026-05-11. Review status: criteria provided, single submitter. Criteria: ACMG Guidelines, 2015. Collection method: provider interpretation. Allele origin: germline. Inheritance: Autosomal dominant inheritance. Affected: no. Observed: 1 variant allele, 1 heterozygote.
Comment: The variant satisfies PM2 criteria - extremely low frequency in gnomAD population databases. The variant satisfies PP2 criteria - missense variant in a gene with low rate of benign missense mutations and for which missense mutation is a common mechanism of a disease. The variant satisfies BP4 criteria - for a missense or a splice region variant, computational prediction tools unanimously support a benign effect on the gene. However, the variant satisfies BS2 criteria - present in heterozygous state in an individual that clinically does not have developmental and epileptic encephalopathy.

Labcorp Genetics (formerly Invitae), Labcorp
Classification: Uncertain significance. Last evaluated: 2024-04-03. Review status: criteria provided, single submitter. Criteria: Invitae Variant Classification Sherloc (09022015). Collection method: clinical testing. Allele origin: germline.
Comment: This sequence change replaces proline, which is neutral and non-polar, with leucine, which is neutral and non-polar, at codon 1210 of the GRIN2D protein (p.Pro1210Leu). The frequency data for this variant in the population databases is considered unreliable, as metrics indicate insufficient coverage at this position in the gnomAD database. This variant has not been reported in the literature in individuals affected with GRIN2D-related conditions. Advanced modeling of protein sequence and biophysical properties (such as structural, functional, and spatial information, amino acid conservation, physicochemical variation, residue mobility, and thermodynamic stability) performed at Invitae indicates that this missense variant is not expected to disrupt GRIN2D protein function with a negative predictive value of 95%. In summary, the available evidence is currently insufficient to determine the role of this variant in disease. Therefore, it has been classified as a Variant of Uncertain Significance.

Literature cited by the submitters: PubMed 27616483 (cited by Centre for Medical Genetics,  Mumbai).